The following is an entry in ClinVar:

NM_000452.3(SLC10A2):c.895del (p.Ala299fs)

Gene: SLC10A2 (solute carrier family 10 member 2; minus strand). Cytogenetic location: 13q33.1.
Variant type: Deletion.
Coding change: c.895del on transcript NM_000452.3 (MANE Select); coding-DNA position 895, one base deleted (G; older notation c.895delG).
Protein change: p.Ala299fs; shifts the reading frame from alanine 299.
Molecular consequence: frameshift variant.
Genome position (GRCh38, 1-based): chr13:103,049,313, C deleted on the plus strand (G on the coding strand, the reverse complement: SLC10A2 is on the minus strand). VCF-style (leftmost placement, unchanged base first): chr13-103049312-GC-G. GRCh37 (hg19) VCF-style: chr13-103701662-GC-G.
Other names: short protein forms A299fs.
Identifiers: ClinVar variation 4991517 (VCV004991517.1).

ClinVar aggregate classification (germline): Uncertain significance (1 of 4 stars; one submission).

Conditions:
SLC10A2-related disorder. Also called: SLC10A2-related condition.

Submission:

PreventionGenetics, part of Exact Sciences
Classification: Uncertain significance for SLC10A2-related condition. Last evaluated: 2026-08-03. Review status: criteria provided, single submitter. Criteria: ACMG Guidelines, 2015. Collection method: clinical testing. Allele origin: germline.
Comment: The SLC10A2 c.895delG variant is predicted to result in a frameshift and premature protein termination (p.Ala299Profs*7). To our knowledge, this variant has not been reported in the literature or in a large population database (gnomAD), indicating this variant is rare. Although we suspect that this variant may be pathogenic, at this time, the clinical significance of this variant is uncertain due to the absence of conclusive functional and genetic evidence.